The following is an entry in ClinVar:

ClinVar aggregate classification (germline): Likely pathogenic. Review status: reviewed by expert panel (3 of 4 stars). 3 submissions from 3 submitters: Likely pathogenic (1). 2 of the submissions do not count toward it. Last evaluated 2025-05-07.

Conditions:
Pitt-Hopkins syndrome (PTHS). Also called: MENTAL RETARDATION, SYNDROMAL, WITH INTERMITTENT HYPERVENTILATION; ENCEPHALOPATHY, SEVERE EPILEPTIC, WITH AUTONOMIC DYSFUNCTION. Identifiers: Orphanet 2896, MedGen C1970431, MONDO:0012589, OMIM 610954.

Submissions (3):

ClinGen Rett and Angelman-like Disorders Variant Curation Expert Panel
Classification: Likely pathogenic for Pitt-Hopkins syndrome. Last evaluated: 2025-05-07. Review status: reviewed by expert panel. Criteria: ClinGen RettAS ACMG Specifications TCF4 V4.0.0. Collection method: curation. Allele origin: germline. Inheritance: Autosomal dominant inheritance.
Comment: The p.Thr606Ile variant in TCF4 has been reported as a de novo occurrence (biological parentage confirmed) in an individual with global developmental delay, epilepsy, ventriculomegaly, and dysmorphic facial features (PMID 34580403) (PS2). The p.Thr606Ile variant occurs in the well-characterized Basic Helix-Loop-Helix functional domain of the TCF4 gene (PM1). The p.Thr606Ile variant in TCF4 is absent from gnomAD v4.1 (PM2_Supporting). Computational prediction analysis tools suggests a deleterious impact; however, this information does not predict clinical significance on its own (PP3). In summary, the p.Thr606Ile variant in TCF4 is classified as likely pathogenic for Pitt-Hopkins syndrome based on the ACMG/AMP criteria (PS2, PM1, PM2_supporting, PP3). (TCF4 Specifications v4.0; curation approved on [5/7/2025])

Labcorp Genetics (formerly Invitae), Labcorp
Classification: Uncertain significance for Pitt-Hopkins syndrome. Last evaluated: 2022-08-09. Review status: criteria provided, single submitter. Criteria: Invitae Variant Classification Sherloc (09022015). Collection method: clinical testing. Allele origin: germline. Not counted in ClinVar's aggregate classification.
Comment: Algorithms developed to predict the effect of missense changes on protein structure and function are either unavailable or do not agree on the potential impact of this missense change (SIFT: "Deleterious"; PolyPhen-2: "Probably Damaging"; Align-GVGD: "Class C0"). ClinVar contains an entry for this variant (Variation ID: 1164050). This variant has not been reported in the literature in individuals affected with TCF4-related conditions. This variant is not present in population databases (gnomAD no frequency). This sequence change replaces threonine, which is neutral and polar, with isoleucine, which is neutral and non-polar, at codon 606 of the TCF4 protein (p.Thr606Ile). In summary, the available evidence is currently insufficient to determine the role of this variant in disease. Therefore, it has been classified as a Variant of Uncertain Significance.

Pediatric Genetics Clinic, Sheba Medical Center
Classification: Pathogenic for Pitt-Hopkins syndrome. Last evaluated: 2021-05-13. Review status: no assertion criteria provided. Collection method: clinical testing. Allele origin: de novo. Affected: yes. Observed: 1 heterozygote. Not counted in ClinVar's aggregate classification.

NM_001083962.2(TCF4):c.1817C>T (p.Thr606Ile)

Gene: TCF4 (transcription factor 4; minus strand). Cytogenetic location: 18q21.2.
Variant type: single nucleotide variant.
Coding change: c.1817C>T on transcript NM_001083962.2 (MANE Select); coding-DNA position 1817, C replaced by T.
Protein change: p.Thr606Ile; replaces threonine 606 with isoleucine.
Molecular consequence: missense variant.
Genome position (GRCh38, 1-based): chr18:55,228,909, G>A on the plus strand (C>T on the coding strand, the complement: TCF4 is on the minus strand). VCF-style: chr18-55228909-G-A. GRCh37 (hg19) VCF-style: chr18-52896140-G-A.
Other names: NM_001083962.2(TCF4):c.1817C>T; p.Thr606Ile; c.2123C>T, p.Thr708Ile (NM_001243226.3); c.1745C>T, p.Thr582Ile (NM_001243227.2, NM_001348217.1, NM_001348218.2 and 1 more transcripts); c.1835C>T, p.Thr612Ile (NM_001243228.2); c.1796C>T, p.Thr599Ile (NM_001243230.2); c.1679C>T, p.Thr560Ile (NM_001243231.2); c.1604C>T, p.Thr535Ile (NM_001243232.1); and 16 more; short protein forms T390I, T441I, T442I, T446I, T472I, T476I, T531I, T535I.
Identifiers: ClinVar variation 1164050 (VCV001164050.7), dbSNP rs2144403104, ClinGen allele CA402528512.